The following is an entry in ClinVar:

ClinVar aggregate classification (germline): Uncertain significance (1 of 4 stars; one submission).

Conditions:
DICER1-related tumor predisposition. Also called: DICER1 syndrome; DICER1-related pleuropulmonary blastoma cancer predisposition syndrome. Identifiers: Orphanet 284343, MedGen C3839822, MONDO:0100216.

Submission:

Labcorp Genetics (formerly Invitae), Labcorp
Classification: Uncertain significance for DICER1-related tumor predisposition. Last evaluated: 2019-03-14. Review status: criteria provided, single submitter. Criteria: Invitae Variant Classification Sherloc (09022015). Collection method: clinical testing. Allele origin: germline.
Comment: This sequence change replaces lysine with asparagine at codon 334 of the DICER1 protein (p.Lys334Asn). The lysine residue is highly conserved and there is a moderate physicochemical difference between lysine and asparagine. In summary, the available evidence is currently insufficient to determine the role of this variant in disease. Therefore, it has been classified as a Variant of Uncertain Significance. Algorithms developed to predict the effect of missense changes on protein structure and function (SIFT, PolyPhen-2, Align-GVGD) all suggest that this variant is likely to be tolerated, but these predictions have not been confirmed by published functional studies and their clinical significance is uncertain. This variant has not been reported in the literature in individuals with DICER1-related conditions. This variant is not present in population databases (ExAC no frequency).

NM_177438.3(DICER1):c.1002A>C (p.Lys334Asn)

Gene: DICER1 (dicer 1, ribonuclease III; minus strand). Cytogenetic location: 14q32.13.
Variant type: single nucleotide variant.
Coding change: c.1002A>C on transcript NM_177438.3 (MANE Select); coding-DNA position 1002, A replaced by C.
Protein change: p.Lys334Asn; replaces lysine 334 with asparagine.
Molecular consequence: missense variant.
Genome position (GRCh38, 1-based): chr14:95,124,570, T>G on the plus strand (A>C on the coding strand, the complement: DICER1 is on the minus strand). VCF-style: chr14-95124570-T-G. GRCh37 (hg19) VCF-style: chr14-95590907-T-G.
Other names: c.1002A>C, p.Lys334Asn (NM_001195573.1, NM_001271282.3, NM_001291628.2 and 1 more transcripts); short protein forms K334N.
Identifiers: ClinVar variation 858146 (VCV000858146.11), dbSNP rs1893238171, ClinGen allele CA390887187.